The following is an entry in ClinVar:

ClinVar aggregate classification (germline): Likely benign. Review status: reviewed by expert panel (3 of 4 stars). 2 submissions from 2 submitters: Likely benign (1). 1 of the submissions does not count toward it. Last evaluated 2025-02-25.

Conditions:
Hereditary thrombocytopenia and hematological cancer predisposition syndrome associated with RUNX1. Also called: Familial Platelet Disorder with Propensity to Acute Myelogenous Leukemia; Familial thrombocytopenia with propensity to acute myelogenous leukemia; PLATELET DISORDER, ASPIRIN-LIKE; RUNX1 Familial Platelet Disorder with Associated Myeloid Malignancies. Identifiers: Orphanet 71290, MedGen C1832388, MeSH C563324, MONDO:0100083, OMIM 601399.
Hereditary thrombocytopenia and hematologic cancer predisposition syndrome. Identifiers: Orphanet 71290, MedGen CN281654, MONDO:0011071.

Submissions (2):

ClinGen Myeloid Malignancy Variant Curation Expert Panel
Classification: Likely benign for Hereditary thrombocytopenia and hematologic cancer predisposition syndrome. Last evaluated: 2025-02-25. Review status: reviewed by expert panel. Criteria: ClinGen MyeloMalig ACMG Specifications v2. Collection method: curation. Allele origin: germline. Inheritance: Autosomal dominant inheritance.
Comment: NM_001754.5(RUNX1):c.509-17C>T is an intronic variant. This variant is completely absent from all population databases with at least 20x coverage for RUNX1 (PM2_Supporting). This variant has a SpliceAI score ≤ 0.20 (0) and evolutionary conservation algorithms predict the site are not available. In summary, this variant meets criteria to be classified as likely benign. ACMG/AMP criteria applied, as specified by the Myeloid Malignancy Variant Curation Expert Panel for RUNX1: PM2_supporting, BP4, BP7.

Labcorp Genetics (formerly Invitae), Labcorp
Classification: Likely benign for Hereditary thrombocytopenia and hematological cancer predisposition syndrome associated with RUNX1. Last evaluated: 2023-10-03. Review status: criteria provided, single submitter. Criteria: Invitae Variant Classification Sherloc (09022015). Collection method: clinical testing. Allele origin: germline. Not counted in ClinVar's aggregate classification.

NM_001754.5(RUNX1):c.509-17C>T

Genes: RUNX1 (RUNX family transcription factor 1; minus strand), RUNX1-AS1 (RUNX1 antisense RNA 1; plus strand). Cytogenetic location: 21q22.12.
Variant type: single nucleotide variant.
Coding change: c.509-17C>T on transcript NM_001754.5 (MANE Select); 17 bases into the intron before coding-DNA position 509, C replaced by T.
Molecular consequence: intron variant.
Genome position (GRCh38, 1-based): chr21:34,859,595, G>A on the plus strand (C>T on the coding strand, the complement: RUNX1 is on the minus strand). VCF-style: chr21-34859595-G-A. GRCh37 (hg19) VCF-style: chr21-36231892-G-A.
Other names: c.428-17C>T (NM_001001890.3, NM_001122607.2).
Identifiers: ClinVar variation 2874041 (VCV002874041.4), dbSNP rs2146237300, ClinGen allele CA2737742321.